The following is an entry in ClinVar:

NM_004393.6(DAG1):c.2068C>T (p.Pro690Ser)

Gene: DAG1 (dystroglycan 1; plus strand). Cytogenetic location: 3p21.31.
Variant type: single nucleotide variant.
Coding change: c.2068C>T on transcript NM_004393.6 (MANE Select); coding-DNA position 2068, C replaced by T.
Protein change: p.Pro690Ser; replaces proline 690 with serine.
Molecular consequence: missense variant.
Genome position (GRCh38, 1-based): chr3:49,532,579, C>T. VCF-style: chr3-49532579-C-T. GRCh37 (hg19) VCF-style: chr3-49570012-C-T.
Other names: c.2068C>T, p.Pro690Ser (NM_001165928.4, NM_001177634.3, NM_001177635.3 and 9 more transcripts); short protein forms P690S.
Identifiers: ClinVar variation 1430762 (VCV001430762.4), dbSNP rs2107949142, ClinGen allele CA352796740.

ClinVar aggregate classification (germline): Uncertain significance (1 of 4 stars; one submission).

Conditions:
Autosomal recessive limb-girdle muscular dystrophy type 2P. Also called: Limb-Girdle Muscular Dystrophy Type 9C; MUSCULAR DYSTROPHY, LIMB-GIRDLE, TYPE 2P; MUSCULAR DYSTROPHY-DYSTROGLYCANOPATHY, LIMB-GIRDLE, DAG1-RELATED. Identifiers: Orphanet 280333, MedGen C4511963, MONDO:0013440, OMIM 613818.
Muscular dystrophy-dystroglycanopathy (congenital with brain and eye anomalies), type A9. Also called: Muscular dystrophy-dystroglycanopathy (congenital with brain and eye anomalies), type a, 9; WALKER-WARBURG SYNDROME OR MUSCLE-EYE BRAIN DISEASE, DAG1-RELATED. Identifiers: Orphanet 370997, Orphanet 899, MedGen C4225291, MONDO:0014683, OMIM 616538.

Submission:

Labcorp Genetics (formerly Invitae), Labcorp
Classification: Uncertain significance for Autosomal recessive limb-girdle muscular dystrophy type 2P; Muscular dystrophy-dystroglycanopathy (congenital with brain and eye anomalies), type A9. Last evaluated: 2022-02-24. Review status: criteria provided, single submitter. Criteria: Invitae Variant Classification Sherloc (09022015). Collection method: clinical testing. Allele origin: germline.
Comment: Algorithms developed to predict the effect of missense changes on protein structure and function output the following: SIFT: "Tolerated"; PolyPhen-2: "Benign"; Align-GVGD: "Class C0". The serine amino acid residue is found in multiple mammalian species, which suggests that this missense change does not adversely affect protein function. In summary, the available evidence is currently insufficient to determine the role of this variant in disease. Therefore, it has been classified as a Variant of Uncertain Significance. Algorithms developed to predict the effect of sequence changes on RNA splicing suggest that this variant may create or strengthen a splice site. This variant has not been reported in the literature in individuals affected with DAG1-related conditions. This variant is not present in population databases (gnomAD no frequency). This sequence change replaces proline, which is neutral and non-polar, with serine, which is neutral and polar, at codon 690 of the DAG1 protein (p.Pro690Ser).